The following is an entry in ClinVar:

ClinVar aggregate classification (germline): Conflicting classifications of pathogenicity. Review status: criteria provided, conflicting classifications (1 of 4 stars). 5 submissions from 5 submitters: Uncertain significance (2); Likely benign (2). 1 of the submissions does not count toward it. Last evaluated 2025-04-14.

Conditions:
BRCA2-related disorder. Also called: BRCA2-related condition; BRCA2-related disorders. Identifiers: MedGen CN239275.
Hereditary cancer-predisposing syndrome. Also called: Hereditary Cancer Syndrome; Neoplastic Syndromes, Hereditary; Tumor predisposition; Hereditary neoplastic syndrome. Identifiers: Orphanet 140162, MedGen C0027672, MeSH D009386, MONDO:0015356.
Breast-ovarian cancer, familial, susceptibility to, 2 (BROVCA2). Also called: BRCA2 Hereditary Breast and Ovarian Cancer. Identifiers: Orphanet 145, MedGen C2675520, MONDO:0012933, OMIM 612555. Disease mechanism: loss of function.
Hereditary breast ovarian cancer syndrome. Also called: Hereditary breast and/or ovarian cancer syndrome; BRCA1- and BRCA2-Associated Hereditary Breast and Ovarian Cancer; Hereditary breast and ovarian cancer syndrome (HBOC); Hereditary breast and ovarian cancer; Hereditary breast and ovarian cancer syndrome; Breast and ovarian cancer. Identifiers: Orphanet 145, MedGen C0677776, MeSH D061325, MONDO:0003582. Disease mechanism: loss of function.

Allele frequency attached by ClinVar (database versions not stated): TOPMed below 0.00001; gnomAD 0.00001.
gnomAD v4.1: 1 of 1,608,866 alleles (0.000062%); highest among the groups gnomAD compares: Non-Finnish European, 0.000085%; no homozygotes.

Submissions (5):

Labcorp Genetics (formerly Invitae), Labcorp
Classification: Uncertain significance for Hereditary breast ovarian cancer syndrome. Last evaluated: 2025-04-14. Review status: criteria provided, single submitter. Criteria: Invitae Variant Classification Sherloc (09022015). Collection method: clinical testing. Allele origin: germline.
Comment: This sequence change replaces threonine, which is neutral and polar, with serine, which is neutral and polar, at codon 1738 of the BRCA2 protein (p.Thr1738Ser). This variant is not present in population databases (gnomAD no frequency). This variant has not been reported in the literature in individuals affected with BRCA2-related conditions. ClinVar contains an entry for this variant (Variation ID: 230055). Invitae Evidence Modeling of protein sequence and biophysical properties (such as structural, functional, and spatial information, amino acid conservation, physicochemical variation, residue mobility, and thermodynamic stability) indicates that this missense variant is not expected to disrupt BRCA2 protein function with a negative predictive value of 95%. In summary, the available evidence is currently insufficient to determine the role of this variant in disease. Therefore, it has been classified as a Variant of Uncertain Significance.

Ambry Genetics
Classification: Likely benign for Hereditary cancer-predisposing syndrome. Last evaluated: 2024-03-28. Review status: criteria provided, single submitter. Criteria: Ambry Variant Classification Scheme 2023. Collection method: clinical testing. Allele origin: germline.

All of Us Research Program, National Institutes of Health
Classification: Uncertain significance for Breast-ovarian cancer, familial, susceptibility to, 2. Last evaluated: 2023-09-17. Review status: criteria provided, single submitter. Criteria: ACMG Guidelines, 2015. Collection method: clinical testing. Allele origin: germline. Inheritance: Autosomal dominant inheritance. Observed: 1 variant allele, 1 heterozygote.
Comment: This missense variant replaces threonine with serine at codon 1738 of the BRCA2 protein. Computational prediction suggests that this variant may not impact protein structure and function (internally defined REVEL score threshold <= 0.5, PMID: 27666373). To our knowledge, functional studies have not been reported for this variant. This variant has not been reported in individuals affected with BRCA2-related disorders in the literature. This variant has not been identified in the general population by the Genome Aggregation Database (gnomAD). The available evidence is insufficient to determine the role of this variant in disease conclusively. Therefore, this variant is classified as a Variant of Uncertain Significance.

This study involves interpretation of variants in research participants for the purpose of population health screening. Participant phenotype was not available at the time of variant classification. Additional details can be found in publication PMID: 35346344, PMCID: PMC8962531

University of Washington Department of Laboratory Medicine, University of Washington
Classification: Likely benign for Hereditary cancer-predisposing syndrome. Last evaluated: 2023-03-23. Review status: criteria provided, single submitter. Criteria: Dines et al. (Genet Med. 2020). Collection method: curation. Allele origin: germline.
Comment: Missense variant in a coldspot region where missense variants are very unlikely to be pathogenic (PMID:31911673).

BRCA2 exon 11 coldspot. Reclassification based on statistical prior probability.

PreventionGenetics, part of Exact Sciences
Classification: Uncertain significance for BRCA2-related condition. Last evaluated: 2024-06-01. Review status: no assertion criteria provided. Collection method: clinical testing. Allele origin: germline. Not counted in ClinVar's aggregate classification.
Comment: The BRCA2 c.5212A>T variant is predicted to result in the amino acid substitution p.Thr1738Ser. To our knowledge, this variant has not been reported in the literature or in a large population database indicating this variant is rare and is interpreted as uncertain in ClinVar. At this time, the clinical significance of this variant is uncertain due to the absence of conclusive functional and genetic evidence.

NM_000059.4(BRCA2):c.5212A>T (p.Thr1738Ser)

Gene: BRCA2 (BRCA2 DNA repair associated; plus strand). Cytogenetic location: 13q13.1.
Variant type: single nucleotide variant.
Coding change: c.5212A>T on transcript NM_000059.4 (MANE Select); coding-DNA position 5212, A replaced by T.
Protein change: p.Thr1738Ser; replaces threonine 1738 with serine.
Molecular consequence: missense variant.
Genome position (GRCh38, 1-based): chr13:32,339,567, A>T. VCF-style: chr13-32339567-A-T. GRCh37 (hg19) VCF-style: chr13-32913704-A-T.
Other names: short protein forms T1738S.
Identifiers: ClinVar variation 230055 (VCV000230055.18), dbSNP rs876658357, ClinGen allele CA10579647.